The following is an entry in ClinVar:

NM_006346.4(PIBF1):c.699C>T (p.Tyr233=)

Gene: PIBF1 (progesterone immunomodulatory binding factor 1; plus strand). Cytogenetic location: 13q22.1.
Variant type: single nucleotide variant.
Coding change: c.699C>T on transcript NM_006346.4 (MANE Select); coding-DNA position 699, C replaced by T.
Protein change: p.Tyr233=; no amino-acid change (tyrosine 233 retained).
Molecular consequence: synonymous variant. On other transcripts: non-coding transcript variant (2).
Genome position (GRCh38, 1-based): chr13:72,821,875, C>T. VCF-style: chr13-72821875-C-T. GRCh37 (hg19) VCF-style: chr13-73396013-C-T.
Other names: c.699C>T, p.Tyr233= (NM_001349655.2).
Identifiers: ClinVar variation 3898350 (VCV003898350.7).

ClinVar aggregate classification (germline): Likely benign (1 of 4 stars; one submission).

gnomAD v4.1: 8 of 1,612,278 alleles (0.0005%); highest among the groups gnomAD compares: Non-Finnish European, 0.00059%; no homozygotes.

Submission:

CeGaT Center for Human Genetics Tuebingen
Classification: Likely benign. Last evaluated: 2025-04-01. Review status: criteria provided, single submitter. Criteria: CeGaT Center For Human Genetics Tuebingen Variant Classification Criteria Version 2. Collection method: clinical testing. Allele origin: germline. Affected: yes. Observed: 1 variant allele.
Comment: PIBF1: BP4, BP7